The following is an entry in ClinVar:

NM_000062.3(SERPING1):c.62C>T (p.Ser21Phe)

Gene: SERPING1 (serpin family G member 1; plus strand). Cytogenetic location: 11q12.1.
Variant type: single nucleotide variant.
Coding change: c.62C>T on transcript NM_000062.3 (MANE Select); coding-DNA position 62, C replaced by T.
Protein change: p.Ser21Phe; replaces serine 21 with phenylalanine.
Molecular consequence: missense variant.
Genome position (GRCh38, 1-based): chr11:57,599,889, C>T. VCF-style: chr11-57599889-C-T. GRCh37 (hg19) VCF-style: chr11-57367362-C-T.
Other names: c.62C>T, p.Ser21Phe (NM_001032295.2); short protein forms S21F.
Identifiers: ClinVar variation 3704901 (VCV003704901.3).

ClinVar aggregate classification (germline): Conflicting classifications of pathogenicity. Review status: criteria provided, conflicting classifications (1 of 4 stars). 2 submissions from 2 submitters: Uncertain significance (1); Benign (1). Last evaluated 2025-02-16.

gnomAD v4.1: 7 of 1,614,036 alleles (0.00043%); highest among the groups gnomAD compares: Non-Finnish European, 0.00059%; no homozygotes.

Submissions (2):

Laboratory of Genetics, Children's Clinical University Hospital Latvia
Classification: Benign. Last evaluated: 2025-02-16. Review status: criteria provided, single submitter. Criteria: ACMG Guidelines, 2015. Collection method: clinical testing. Allele origin: germline. Affected: yes.

Labcorp Genetics (formerly Invitae), Labcorp
Classification: Uncertain significance. Last evaluated: 2024-03-03. Review status: criteria provided, single submitter. Criteria: Invitae Variant Classification Sherloc (09022015). Collection method: clinical testing. Allele origin: germline.
Comment: This sequence change replaces serine, which is neutral and polar, with phenylalanine, which is neutral and non-polar, at codon 21 of the SERPING1 protein (p.Ser21Phe). This variant is not present in population databases (gnomAD no frequency). This variant has not been reported in the literature in individuals affected with SERPING1-related conditions. Advanced modeling of protein sequence and biophysical properties (such as structural, functional, and spatial information, amino acid conservation, physicochemical variation, residue mobility, and thermodynamic stability) performed at Invitae indicates that this missense variant is not expected to disrupt SERPING1 protein function with a negative predictive value of 95%. In summary, the available evidence is currently insufficient to determine the role of this variant in disease. Therefore, it has been classified as a Variant of Uncertain Significance.